The following is an entry in ClinVar:

ClinVar aggregate classification (germline): Uncertain significance (1 of 4 stars; one submission).

Conditions:
Early-infantile DEE. Also called: Early infantile epileptic encephalopathy; Ohtahara syndrome; Early infantile epileptic encephalopathy with suppression bursts. Identifiers: Orphanet 1934, MedGen C0393706, MONDO:0800491.

Submission:

Labcorp Genetics (formerly Invitae), Labcorp
Classification: Uncertain significance for Early-infantile DEE. Last evaluated: 2024-05-15. Review status: criteria provided, single submitter. Criteria: Invitae Variant Classification Sherloc (09022015). Collection method: clinical testing. Allele origin: germline.
Comment: This sequence change falls in intron 20 of the SCN1A gene. It does not directly change the encoded amino acid sequence of the SCN1A protein. However, this sequence change falls within a region encompassing a cryptic exon in the SCN1A gene, in which variants have been shown to alter splicing (PMID: 30526861, 34107977). This variant is not present in population databases (gnomAD no frequency). This variant has not been reported in the literature in individuals affected with SCN1A-related conditions. ClinVar contains an entry for this variant (Variation ID: 2040437). Algorithms developed to predict the effect of sequence changes on RNA splicing suggest that this variant is not likely to affect RNA splicing. In summary, the available evidence is currently insufficient to determine the role of this variant in disease. Therefore, it has been classified as a Variant of Uncertain Significance.

Literature cited by the submitters: PubMed 30526861; PubMed 34107977.

NM_001165963.4(SCN1A):c.4002+2022T>C

Genes: SCN1A (sodium voltage-gated channel alpha subunit 1; minus strand), LOC102724058 (uncharacterized LOC102724058; plus strand). Cytogenetic location: 2q24.3.
Variant type: single nucleotide variant.
Coding change: c.4002+2022T>C on transcript NM_001165963.4 (MANE Select); 2022 bases into the intron after coding-DNA position 4002, T replaced by C.
Molecular consequence: intron variant.
Genome position (GRCh38, 1-based): chr2:166,007,697, A>G on the plus strand (T>C on the coding strand, the complement: SCN1A is on the minus strand). VCF-style: chr2-166007697-A-G. GRCh37 (hg19) VCF-style: chr2-166864207-A-G.
Other names: c.3969+2022T>C (NM_001353949.2, NM_001353950.2, NM_001353951.2 and 2 more transcripts); c.3918+2022T>C (NM_001353958.2, NM_001353957.2, NM_001165964.3); c.4002+2022T>C (NM_001202435.3, NM_001353948.2); c.3966+2022T>C (NM_001353955.2, NM_001353954.2); c.3915+2022T>C (NM_001353960.2); c.1560+2022T>C (NM_001353961.2).
Identifiers: ClinVar variation 2040437 (VCV002040437.4), dbSNP rs2468475128, ClinGen allele CA2580064287.